The following is an entry in ClinVar:

NM_001330723.2(SNX27):c.774G>A (p.Met258Ile)

Gene: SNX27 (sorting nexin 27; plus strand). Cytogenetic location: 1q21.3.
Variant type: single nucleotide variant.
Coding change: c.774G>A on transcript NM_001330723.2 (MANE Select); coding-DNA position 774, G replaced by A.
Protein change: p.Met258Ile; replaces methionine 258 with isoleucine.
Molecular consequence: missense variant.
Genome position (GRCh38, 1-based): chr1:151,660,835, G>A. VCF-style: chr1-151660835-G-A. GRCh37 (hg19) VCF-style: chr1-151633311-G-A.
Other names: c.774G>A, p.Met258Ile (NM_030918.6); c.774G>A (NM_030918.5); short protein forms M258I.
Identifiers: ClinVar variation 1433039 (VCV001433039.8), dbSNP rs778326282, ClinGen allele CA1093475.

ClinVar aggregate classification (germline): Uncertain significance. Review status: criteria provided, multiple submitters, no conflicts (2 of 4 stars). 2 submissions from 2 submitters: Uncertain significance (2). Last evaluated 2025-09-10.

Conditions:
Severe myoclonic epilepsy in infancy (DRVT). Also called: SEVERE MYOCLONIC EPILEPSY OF INFANCY; Dravet syndrome; Epileptic encephalopathy, early infantile, 6 (Dravet syndrome); DEVELOPMENTAL AND EPILEPTIC ENCEPHALOPATHY 6A; Severe Myoclonic Epilepsy in Infancy (SMEI). Identifiers: Orphanet 33069, MedGen C0751122, MONDO:0100135, OMIM 607208.
Inborn genetic diseases. Identifiers: MedGen C0950123, MeSH D030342.

Allele frequency attached by ClinVar (database versions not stated): TOPMed below 0.00001; gnomAD exomes 0.00001; ExAC 0.00002.
gnomAD v4.1: 21 of 1,612,890 alleles (0.0013%); highest among the groups gnomAD compares: Non-Finnish European, 0.0015%; no homozygotes.

Submissions (2):

Ambry Genetics
Classification: Uncertain significance for Inborn genetic diseases. Last evaluated: 2025-09-10. Review status: criteria provided, single submitter. Criteria: Ambry Variant Classification Scheme 2023. Collection method: clinical testing. Allele origin: germline.

Labcorp Genetics (formerly Invitae), Labcorp
Classification: Uncertain significance for Severe myoclonic epilepsy in infancy. Last evaluated: 2021-08-28. Review status: criteria provided, single submitter. Criteria: Invitae Variant Classification Sherloc (09022015). Collection method: clinical testing. Allele origin: germline.
Comment: This sequence change replaces methionine with isoleucine at codon 258 of the SNX27 protein (p.Met258Ile). The methionine residue is highly conserved and there is a small physicochemical difference between methionine and isoleucine. This variant is present in population databases (rs778326282, ExAC 0.003%). This variant has not been reported in the literature in individuals affected with SNX27-related conditions. Algorithms developed to predict the effect of missense changes on protein structure and function (SIFT, PolyPhen-2, Align-GVGD) all suggest that this variant is likely to be tolerated. In summary, the available evidence is currently insufficient to determine the role of this variant in disease. Therefore, it has been classified as a Variant of Uncertain Significance.